The following is an entry in ClinVar:

ClinVar aggregate classification (germline): Uncertain significance. Review status: criteria provided, multiple submitters, no conflicts (2 of 4 stars). 4 submissions from 4 submitters: Uncertain significance (4). Last evaluated 2022-05-11.

Conditions:
Fanconi anemia complementation group P. Also called: SLX4-Related Fanconi Anemia. Identifiers: Orphanet 84, MedGen C3469542, MONDO:0013499, OMIM 613951.
Fanconi anemia (FA). Also called: Fanconi's anemia. Identifiers: Orphanet 84, MedGen C0015625, MeSH D005199, MONDO:0019391.

Allele frequency attached by ClinVar (database versions not stated): gnomAD exomes 0.00001 and 0.00004; TOPMed 0.00003; gnomAD 0.00004; ExAC 0.00005.

Submissions (4):

Labcorp Genetics (formerly Invitae), Labcorp
Classification: Uncertain significance for Fanconi anemia. Last evaluated: 2022-05-11. Review status: criteria provided, single submitter. Criteria: Invitae Variant Classification Sherloc (09022015). Collection method: clinical testing. Allele origin: germline.
Comment: This sequence change replaces serine, which is neutral and polar, with asparagine, which is neutral and polar, at codon 528 of the SLX4 protein (p.Ser528Asn). This variant is present in population databases (rs752899329, gnomAD 0.09%). This variant has not been reported in the literature in individuals affected with SLX4-related conditions. ClinVar contains an entry for this variant (Variation ID: 319174). Algorithms developed to predict the effect of missense changes on protein structure and function output the following: SIFT: "Tolerated"; PolyPhen-2: "Benign"; Align-GVGD: "Class C0". The asparagine amino acid residue is found in multiple mammalian species, which suggests that this missense change does not adversely affect protein function. In summary, the available evidence is currently insufficient to determine the role of this variant in disease. Therefore, it has been classified as a Variant of Uncertain Significance.

Fulgent Genetics
Classification: Uncertain significance for Fanconi anemia complementation group P. Last evaluated: 2021-12-28. Review status: criteria provided, single submitter. Criteria: ACMG Guidelines, 2015. Collection method: clinical testing. Allele origin: unknown.

Genetic Services Laboratory, University of Chicago
Classification: Uncertain significance. Last evaluated: 2018-11-20. Review status: criteria provided, single submitter. Criteria: ACMG Guidelines, 2015. Collection method: clinical testing. Allele origin: germline. Affected: no.

Illumina Laboratory Services, Illumina
Classification: Uncertain significance for Fanconi anemia complementation group P. Last evaluated: 2018-01-13. Review status: criteria provided, single submitter. Criteria: ICSL Variant Classification Criteria 13 December 2019. Collection method: clinical testing. Allele origin: germline.

NM_032444.4(SLX4):c.1583G>A (p.Ser528Asn)

Gene: SLX4 (SLX4 structure-specific endonuclease subunit; minus strand). Cytogenetic location: 16p13.3.
Variant type: single nucleotide variant.
Coding change: c.1583G>A on transcript NM_032444.4 (MANE Select); coding-DNA position 1583, G replaced by A.
Protein change: p.Ser528Asn; replaces serine 528 with asparagine.
Molecular consequence: missense variant.
Genome position (GRCh38, 1-based): chr16:3,597,479, C>T on the plus strand (G>A on the coding strand, the complement: SLX4 is on the minus strand). VCF-style: chr16-3597479-C-T. GRCh37 (hg19) VCF-style: chr16-3647480-C-T.
Other names: c.1583G>A (LRG_503t1); short protein forms S528N.
Identifiers: ClinVar variation 319174 (VCV000319174.11), dbSNP rs752899329, ClinGen allele CA7866485.
Genomic context (GRCh38, chr16:3,597,479, plus strand): 5'-GCCGTGTAGAAGTCCTCCATGGCCCAGGCCCCAGTCAGTGCGCTGCCCTCCCACAGAAAG[C>T]TCTGCTTGCGTTCAGGTGGAGGAGGACACTGGCCCGCTCTTTCCCACCCTTCCTTTAAAA-3'
Protein context (NP_115820.2, residues 518-538): QCPPPPERKQ[Ser528Asn]FLWEGSALTG